The following is an entry in ClinVar:

NM_020778.5(ALPK3):c.1112G>C (p.Arg371Thr)

Gene: ALPK3 (alpha kinase 3; plus strand). Cytogenetic location: 15q25.3.
Variant type: single nucleotide variant.
Coding change: c.1112G>C on transcript NM_020778.5 (MANE Select); coding-DNA position 1112, G replaced by C.
Protein change: p.Arg371Thr; replaces arginine 371 with threonine.
Molecular consequence: missense variant.
Genome position (GRCh38, 1-based): chr15:84,840,391, G>C. VCF-style: chr15-84840391-G-C. GRCh37 (hg19) VCF-style: chr15-85383622-G-C.
Other names: short protein forms R371T.
Identifiers: ClinVar variation 4089222 (VCV004089222.2).

ClinVar aggregate classification (germline): Uncertain significance. Review status: criteria provided, multiple submitters, no conflicts (2 of 4 stars). 2 submissions from 2 submitters: Uncertain significance (2). Last evaluated 2025-08-28.

Conditions:
Cardiovascular phenotype. Identifiers: MedGen CN230736.

gnomAD v4.1: 6 of 1,613,780 alleles (0.00037%); highest among the groups gnomAD compares: Non-Finnish European, 0.00051%; no homozygotes.

Submissions (2):

Ambry Genetics
Classification: Uncertain significance for Cardiovascular phenotype. Last evaluated: 2025-08-28. Review status: criteria provided, single submitter. Criteria: Ambry Variant Classification Scheme 2023. Collection method: clinical testing. Allele origin: germline.
Comment: The p.R573T variant (also known as c.1718G>C), located in coding exon 5 of the ALPK3 gene, results from a G to C substitution at nucleotide position 1718. The arginine at codon 573 is replaced by threonine, an amino acid with similar properties. This amino acid position is conserved. In addition, this alteration is predicted to be tolerated by in silico analysis. Based on the available evidence, the clinical significance of this variant remains unclear.

Labcorp Genetics (formerly Invitae), Labcorp
Classification: Uncertain significance. Last evaluated: 2025-02-12. Review status: criteria provided, single submitter. Criteria: Invitae Variant Classification Sherloc (09022015). Collection method: clinical testing. Allele origin: germline.
Comment: This sequence change replaces arginine, which is basic and polar, with threonine, which is neutral and polar, at codon 573 of the ALPK3 protein (p.Arg573Thr). This variant is present in population databases (rs766372253, gnomAD 0.002%). This variant has not been reported in the literature in individuals affected with ALPK3-related conditions. An algorithm developed to predict the effect of missense changes on protein structure and function (PolyPhen-2) suggests that this variant is likely to be disruptive. In summary, the available evidence is currently insufficient to determine the role of this variant in disease. Therefore, it has been classified as a Variant of Uncertain Significance.